The following is an entry in ClinVar:

ClinVar aggregate classification (germline): Uncertain significance (1 of 4 stars; one submission).

Submission:

Ambry Genetics
Classification: Uncertain significance. Last evaluated: 2024-12-21. Review status: criteria provided, single submitter. Criteria: Ambry Variant Classification Scheme 2023. Collection method: clinical testing. Allele origin: germline.
Comment: The p.A551E variant (also known as c.1652C>A), located in coding exon 8 of the ATRIP gene, results from a C to A substitution at nucleotide position 1652. The alanine at codon 551 is replaced by glutamic acid, an amino acid with dissimilar properties. This amino acid position is conserved. In addition, this alteration is predicted to be tolerated by in silico analysis. Based on the available evidence, the clinical significance of this variant remains unclear.

NM_130384.3(ATRIP):c.1652C>A (p.Ala551Glu)

Genes: ATRIP (ATR interacting protein; plus strand), ATRIP-TREX1 (ATRIP-TREX1 readthrough; plus strand). Cytogenetic location: 3p21.31.
Variant type: single nucleotide variant.
Coding change: c.1652C>A on transcript NM_130384.3 (MANE Select); coding-DNA position 1652, C replaced by A.
Protein change: p.Ala551Glu; replaces alanine 551 with glutamic acid.
Molecular consequence: missense variant. On other transcripts: non-coding transcript variant (1).
Genome position (GRCh38, 1-based): chr3:48,460,706, C>A. VCF-style: chr3-48460706-C-A. GRCh37 (hg19) VCF-style: chr3-48502105-C-A.
Other names: c.1271C>A, p.Ala424Glu (NM_001271022.2); c.1373C>A, p.Ala458Glu (NM_001271023.2); c.1652C>A, p.Ala551Glu (NM_032166.4); short protein forms A424E, A551E, A458E.
Identifiers: ClinVar variation 3809251 (VCV003809251.1).